The following is an entry in ClinVar:

NM_001005242.3(PKP2):c.1561A>T (p.Met521Leu)

Gene: PKP2 (plakophilin 2; minus strand). Cytogenetic location: 12p11.21.
Variant type: single nucleotide variant.
Coding change: c.1561A>T on transcript NM_001005242.3 (MANE Select); coding-DNA position 1561, A replaced by T.
Protein change: p.Met521Leu; replaces methionine 521 with leucine.
Molecular consequence: missense variant.
Genome position (GRCh38, 1-based): chr12:32,824,158, T>A on the plus strand (A>T on the coding strand, the complement: PKP2 is on the minus strand). VCF-style: chr12-32824158-T-A. GRCh37 (hg19) VCF-style: chr12-32977092-T-A.
Other names: c.1561A>T, p.Met521Leu (NM_001407155.1, NM_001407156.1, NM_001407161.1); c.1693A>T, p.Met565Leu (NM_001407157.1, NM_004572.4); c.1234A>T, p.Met412Leu (NM_001407158.1, NM_001407159.1, NM_001407160.1 and 1 more transcripts); short protein forms M521L, M412L, M565L.
Identifiers: ClinVar variation 3419539 (VCV003419539.1).
Genomic context (GRCh38, chr12:32,824,158, plus strand): 5'-AGTCAATGAGTCCGTCACATCTTCTCATCGCTTTTCTCCCATCAGCGCCAGCAGAACTCA[T>A]GTTTCTATCAGAAAAAACAAAAAACAAAAAAGTAAGTCTAGGCTGTGTATCCAACAGGTC-3'
Protein context (NP_001005242.2, residues 511-531): FYNVTGCLRN[Met521Leu]SSAGADGRKA

ClinVar aggregate classification (germline): Uncertain significance (1 of 4 stars; one submission).

Conditions:
Cardiovascular phenotype. Identifiers: MedGen CN230736.

Submission:

Ambry Genetics
Classification: Uncertain significance for Cardiovascular phenotype. Last evaluated: 2024-11-27. Review status: criteria provided, single submitter. Criteria: Ambry Variant Classification Scheme 2023. Collection method: clinical testing. Allele origin: germline.
Comment: The p.M565L variant (also known as c.1693A>T), located in coding exon 8 of the PKP2 gene, results from an A to T substitution at nucleotide position 1693. The methionine at codon 565 is replaced by leucine, an amino acid with highly similar properties. This amino acid position is conserved. In addition, this alteration is predicted to be tolerated by in silico analysis. Based on the available evidence, the clinical significance of this variant remains unclear.